The following is an entry in ClinVar:

NM_000297.4(PKD2):c.1480G>T (p.Glu494Ter)

Gene: PKD2 (polycystin 2, transient receptor potential cation channel; plus strand). Cytogenetic location: 4q22.1.
Variant type: single nucleotide variant.
Coding change: c.1480G>T on transcript NM_000297.4 (MANE Select); coding-DNA position 1480, G replaced by T.
Protein change: p.Glu494Ter; replaces glutamic acid 494 with a stop codon.
Molecular consequence: nonsense. On other transcripts: non-coding transcript variant (1).
Genome position (GRCh38, 1-based): chr4:88,046,802, G>T. VCF-style: chr4-88046802-G-T. GRCh37 (hg19) VCF-style: chr4-88967954-G-T.
Other names: c.1480G>T (NM_000297.3); short protein forms E494*.
Identifiers: ClinVar variation 873381 (VCV000873381.19), dbSNP rs1727790591, ClinGen allele CA357619544.

ClinVar aggregate classification (germline): Pathogenic. Review status: criteria provided, multiple submitters, no conflicts (2 of 4 stars). 4 submissions from 4 submitters: Pathogenic (4). Last evaluated 2026-10-01.

Conditions:
PKD2-related disorder. Also called: PKD2-related condition.
Polycystic kidney disease 2 (PKD2). Also called: POLYCYSTIC KIDNEY DISEASE, ADULT, TYPE II; POLYCYSTIC KIDNEY DISEASE 2 WITH OR WITHOUT POLYCYSTIC LIVER DISEASE; Polycystic Kidney Disease 2, Autosomal Dominant. Identifiers: MedGen C2751306, MONDO:0013131, OMIM 613095.
Renal cyst. Also called: Renal cysts; cystic kidneys; Cystic kidney disease. Identifiers: MedGen C3887499, MONDO:0002473, HP:0000107.

Submissions (4):

CeGaT Center for Human Genetics Tuebingen
Classification: Pathogenic. Last evaluated: 2026-10-01. Review status: criteria provided, single submitter. Criteria: CeGaT Center For Human Genetics Tuebingen Variant Classification Criteria Version 2. Collection method: clinical testing. Allele origin: germline. Affected: yes. Observed: 16 variant alleles.
Comment: PKD2: PVS1, PM2, PS4:Moderate

PreventionGenetics, part of Exact Sciences
Classification: Pathogenic for PKD2-related condition. Last evaluated: 2025-03-31. Review status: criteria provided, single submitter. Criteria: ACMG Guidelines, 2015. Collection method: clinical testing. Allele origin: germline.
Comment: The PKD2 c.1480G>T variant is predicted to result in premature protein termination (p.Glu494*). This variant was reported in individuals with autosomal dominant polycystic kidney disease (ADPKD) (see for example, Veldhuisen et al. 1997. PubMed ID: 9326320; Supplementary Table 3, Benson et al. 2021. PubMed ID: 33454723). This variant has not been reported in a large population database (gnomAD), indicating this variant is rare. Nonsense variants in PKD2 are expected to be pathogenic. This variant is interpreted as pathogenic.

Cambridge Genomics Laboratory, East Genomic Laboratory Hub, NHS Genomic Medicine Service
Classification: Pathogenic for Renal cyst. Last evaluated: 2020-06-30. Review status: criteria provided, single submitter. Criteria: ACGS Best Practice Guidelines for Variant Classification in Rare Disease 2020. Collection method: clinical testing. Allele origin: germline. Affected: yes. Observed: 1 variant allele.

Cavalleri Lab, Royal College of Surgeons in Ireland
Classification: Pathogenic for Polycystic kidney disease 2. Last evaluated: 2020-02-05. Review status: criteria provided, single submitter. Criteria: ACMG Guidelines, 2015. Collection method: research. Allele origin: unknown. Inheritance: Autosomal dominant inheritance. Affected: yes.
Comment: PVS1, PM2, PP3, PP4, PP5